The following is an entry in ClinVar:

NM_004618.5(TOP3A):c.1733A>C (p.Glu578Ala)

Gene: TOP3A (DNA topoisomerase III alpha; minus strand). Cytogenetic location: 17p11.2.
Variant type: single nucleotide variant.
Coding change: c.1733A>C on transcript NM_004618.5 (MANE Select); coding-DNA position 1733, A replaced by C.
Protein change: p.Glu578Ala; replaces glutamic acid 578 with alanine.
Molecular consequence: missense variant.
Genome position (GRCh38, 1-based): chr17:18,285,286, T>G on the plus strand (A>C on the coding strand, the complement: TOP3A is on the minus strand). VCF-style: chr17-18285286-T-G. GRCh37 (hg19) VCF-style: chr17-18188600-T-G.
Other names: c.1448A>C, p.Glu483Ala (NM_001320759.2); short protein forms E578A, E483A.
Identifiers: ClinVar variation 1989974 (VCV001989974.4), dbSNP rs143808897, ClinGen allele CA8429790.

ClinVar aggregate classification (germline): Uncertain significance. Review status: criteria provided, multiple submitters, no conflicts (2 of 4 stars). 2 submissions from 2 submitters: Uncertain significance (2). Last evaluated 2025-11-05.

Conditions:
Inborn genetic diseases. Identifiers: MedGen C0950123, MeSH D030342.

Allele frequency attached by ClinVar (database versions not stated): ESP Exome Variant Server 0.00038; gnomAD 0.00013; TOPMed 0.00006; ExAC 0.00012; gnomAD exomes 0.00018.
gnomAD v4.1: 275 of 1,614,052 alleles (0.017%); highest among the groups gnomAD compares: Non-Finnish European, 0.019%; no homozygotes.

Submissions (2):

Ambry Genetics
Classification: Uncertain significance for Inborn genetic diseases. Last evaluated: 2025-11-05. Review status: criteria provided, single submitter. Criteria: Ambry Variant Classification Scheme 2023. Collection method: clinical testing. Allele origin: germline.

Labcorp Genetics (formerly Invitae), Labcorp
Classification: Uncertain significance. Last evaluated: 2022-01-02. Review status: criteria provided, single submitter. Criteria: Invitae Variant Classification Sherloc (09022015). Collection method: clinical testing. Allele origin: germline.
Comment: This sequence change replaces glutamic acid, which is acidic and polar, with alanine, which is neutral and non-polar, at codon 578 of the TOP3A protein (p.Glu578Ala). This variant is present in population databases (rs143808897, gnomAD 0.05%). In summary, the available evidence is currently insufficient to determine the role of this variant in disease. Therefore, it has been classified as a Variant of Uncertain Significance. Algorithms developed to predict the effect of missense changes on protein structure and function are either unavailable or do not agree on the potential impact of this missense change (SIFT: "Not Available"; PolyPhen-2: "Benign"; Align-GVGD: "Not Available"). This variant has not been reported in the literature in individuals affected with TOP3A-related conditions.